The following is an entry in ClinVar:

NM_004364.5(CEBPA):c.127_138del (p.Pro43_Pro46del)

Gene: CEBPA (CCAAT enhancer binding protein alpha; minus strand). Cytogenetic location: 19q13.11.
Variant type: Deletion.
Coding change: c.127_138del on transcript NM_004364.5 (MANE Select); coding-DNA positions 127 to 138, 12 bases deleted (CCCGCCCCACCT).
Protein change: p.Pro43_Pro46del.
Molecular consequence: inframe deletion. On other transcripts: 5 prime UTR variant (1).
Genome position (GRCh38, 1-based): chr19:33,302,277-33,302,288, AGGTGGGGCGGG deleted on the plus strand (CCCGCCCCACCT on the coding strand, the reverse complement: CEBPA is on the minus strand); deleting any 12 consecutive bases within chr19:33,302,277-33,302,291 gives the same sequence; the c. name uses the placement nearest the transcript's 3' end. VCF-style (leftmost placement, unchanged base first): chr19-33302276-CAGGTGGGGCGGG-C. GRCh37 (hg19) VCF-style: chr19-33793182-CAGGTGGGGCGGG-C.
Other names: c.-231_-220del (NM_001285829.2); c.232_243del, p.Pro78_Pro81del (NM_001287424.2); c.85_96del, p.Pro29_Pro32del (NM_001287435.2).
Identifiers: ClinVar variation 934645 (VCV000934645.11), dbSNP rs1967197350, ClinGen allele CA1139666398.

ClinVar aggregate classification (germline): Uncertain significance (1 of 4 stars; one submission).

Conditions:
Acute myeloid leukemia (AML). Also called: Acute myeloid leukemia, adult; AML adult; Acute non-lymphocytic leukemia; Acute granulocytic leukemia; Leukemia, acute myelogenous, somatic; Leukemia, acute myeloid, somatic. Identifiers: Orphanet 519, MedGen C0023467, MeSH D015470, MONDO:0018874, OMIM 601626, HP:0004808. Disease mechanism: Constitutively activated FLT3.

Submission:

Labcorp Genetics (formerly Invitae), Labcorp
Classification: Uncertain significance for Acute myeloid leukemia. Last evaluated: 2025-09-02. Review status: criteria provided, single submitter. Criteria: Invitae Variant Classification Sherloc (09022015). Collection method: clinical testing. Allele origin: germline.
Comment: This variant, c.127_138del, results in the deletion of 4 amino acid(s) of the CEBPA protein (p.Pro43_Pro46del), but otherwise preserves the integrity of the reading frame. This variant is not present in population databases (gnomAD no frequency). This variant has not been reported in the literature in individuals affected with CEBPA-related conditions. ClinVar contains an entry for this variant (Variation ID: 934645). Experimental studies and prediction algorithms are not available or were not evaluated, and the functional significance of this variant is currently unknown. In summary, the available evidence is currently insufficient to determine the role of this variant in disease. Therefore, it has been classified as a Variant of Uncertain Significance.